The following is an entry in ClinVar:

NM_014625.4(NPHS2):c.736A>T (p.Lys246Ter)

Gene: NPHS2 (NPHS2 stomatin family member, podocin; minus strand). Cytogenetic location: 1q25.2.
Variant type: single nucleotide variant.
Coding change: c.736A>T on transcript NM_014625.4 (MANE Select); coding-DNA position 736, A replaced by T.
Protein change: p.Lys246Ter; replaces lysine 246 with a stop codon.
Molecular consequence: nonsense. On other transcripts: intron variant (1).
Genome position (GRCh38, 1-based): chr1:179,557,029, T>A on the plus strand (A>T on the coding strand, the complement: NPHS2 is on the minus strand). VCF-style: chr1-179557029-T-A. GRCh37 (hg19) VCF-style: chr1-179526164-T-A.
Other names: c.535-2498A>T (NM_001297575.2); short protein forms K246*.
Identifiers: ClinVar variation 2742914 (VCV002742914.3), dbSNP rs2526272114, ClinGen allele CA343567371.

ClinVar aggregate classification (germline): Pathogenic (1 of 4 stars; one submission).

Submission:

Labcorp Genetics (formerly Invitae), Labcorp
Classification: Pathogenic. Last evaluated: 2023-07-13. Review status: criteria provided, single submitter. Criteria: Invitae Variant Classification Sherloc (09022015). Collection method: clinical testing. Allele origin: germline.
Comment: Algorithms developed to predict the effect of sequence changes on RNA splicing suggest that this variant may disrupt the consensus splice site. This variant has not been reported in the literature in individuals affected with NPHS2-related conditions. This variant is not present in population databases (gnomAD no frequency). This sequence change creates a premature translational stop signal (p.Lys246*) in the NPHS2 gene. It is expected to result in an absent or disrupted protein product. Loss-of-function variants in NPHS2 are known to be pathogenic (PMID: 10742096, 14701729, 15253708, 23595123). For these reasons, this variant has been classified as Pathogenic.

Literature cited by the submitters: PubMed 10742096; PubMed 14701729; PubMed 15253708; PubMed 23595123.